The following is an entry in ClinVar:

ClinVar aggregate classification (germline): Uncertain significance (1 of 4 stars; one submission).

Conditions:
Lymphatic malformation 6 (LMPHM6). Also called: GENERALIZED LYMPHATIC DYSPLASIA OF FOTIOU; Lymphedema, hereditary, III; PIEZO1-related generalized lymphatic dysplasia with non-immune hydrops fetalis. Identifiers: Orphanet 568062, MedGen C4225184, MONDO:0014797, OMIM 616843.

Submission:

3billion
Classification: Uncertain significance for Lymphatic malformation 6. Last evaluated: 2024-08-16. Review status: criteria provided, single submitter. Criteria: ACMG Guidelines, 2015. Collection method: clinical testing. Allele origin: germline. Affected: yes.
Comment: The variant is not observed in the gnomAD v4.0.0 dataset. Predicted Consequence/Location: Intron variant In silico tools predict the variant to alter splicing and produce an abnormal transcript [SpliceAI: 0.53 (>=0.2, moderate evidence for spliceogenicity)]. Therefore, this variant is classified as VUS according to the recommendation of ACMG/AMP guideline.

NM_001142864.4(PIEZO1):c.4955+5G>C

Gene: PIEZO1 (piezo type mechanosensitive ion channel component 1 (Er blood group); minus strand). Cytogenetic location: 16q24.3.
Variant type: single nucleotide variant.
Coding change: c.4955+5G>C on transcript NM_001142864.4 (MANE Select); 5 bases into the intron after coding-DNA position 4955, G replaced by C.
Molecular consequence: intron variant.
Genome position (GRCh38, 1-based): chr16:88,722,213, C>G on the plus strand (G>C on the coding strand, the complement: PIEZO1 is on the minus strand). VCF-style: chr16-88722213-C-G. GRCh37 (hg19) VCF-style: chr16-88788621-C-G.
Identifiers: ClinVar variation 4292610 (VCV004292610.1).